The following is an entry in ClinVar:

NM_001330078.2(NRXN1):c.3919G>T (p.Val1307Phe)

Gene: NRXN1 (neurexin 1; minus strand). Cytogenetic location: 2p16.3.
Variant type: single nucleotide variant.
Coding change: c.3919G>T on transcript NM_001330078.2 (MANE Select); coding-DNA position 3919, G replaced by T.
Protein change: p.Val1307Phe; replaces valine 1307 with phenylalanine.
Molecular consequence: missense variant.
Genome position (GRCh38, 1-based): chr2:50,053,480, C>A on the plus strand (G>T on the coding strand, the complement: NRXN1 is on the minus strand). VCF-style: chr2-50053480-C-A. GRCh37 (hg19) VCF-style: chr2-50280618-C-A.
Other names: c.3748G>T, p.Val1250Phe (NM_001330088.2); c.814G>T, p.Val272Phe (NM_001330091.2, NM_001330092.2); c.3916G>T, p.Val1306Phe (NM_001330093.2); c.3907G>T, p.Val1303Phe (NM_001330094.2); c.3778G>T, p.Val1260Phe (NM_001330095.2); c.3718G>T, p.Val1240Phe (NM_001330096.2, NM_001330087.2); c.724G>T, p.Val242Phe (NM_001330097.2, NM_138735.5); c.3829G>T, p.Val1277Phe (NM_004801.6); and 6 more; short protein forms V1240F, V1260F, V1299F, V1306F, V1347F, V1250F, V1285F, V1303F.
Identifiers: ClinVar variation 2083804 (VCV002083804.4), dbSNP rs200044811, ClinGen allele CA346819766.

ClinVar aggregate classification (germline): Uncertain significance (1 of 4 stars; one submission).

Conditions:
Pitt-Hopkins-like syndrome 2 (PTHSL2). Identifiers: Orphanet 221150, Orphanet 600663, MedGen C3280479, MONDO:0013690, OMIM 614325.

Submission:

Labcorp Genetics (formerly Invitae), Labcorp
Classification: Uncertain significance for Pitt-Hopkins-like syndrome 2. Last evaluated: 2022-01-15. Review status: criteria provided, single submitter. Criteria: Invitae Variant Classification Sherloc (09022015). Collection method: clinical testing. Allele origin: germline.
Comment: In summary, the available evidence is currently insufficient to determine the role of this variant in disease. Therefore, it has been classified as a Variant of Uncertain Significance. Algorithms developed to predict the effect of missense changes on protein structure and function are either unavailable or do not agree on the potential impact of this missense change (SIFT: "Deleterious"; PolyPhen-2: "Probably Damaging"; Align-GVGD: "Class C0"). This variant has not been reported in the literature in individuals affected with NRXN1-related conditions. This variant is not present in population databases (gnomAD no frequency). This sequence change replaces valine, which is neutral and non-polar, with phenylalanine, which is neutral and non-polar, at codon 1347 of the NRXN1 protein (p.Val1347Phe).